The following is an entry in ClinVar:

NM_001379500.1(COL18A1):c.3870C>T (p.Tyr1290=)

Genes: COL18A1 (collagen type XVIII alpha 1 chain; plus strand), SLC19A1 (solute carrier family 19 member 1; minus strand). Cytogenetic location: 21q22.3.
Variant type: single nucleotide variant.
Coding change: c.3870C>T on transcript NM_001379500.1 (MANE Select); coding-DNA position 3870, C replaced by T.
Protein change: p.Tyr1290=; no amino-acid change (tyrosine 1290 retained).
Molecular consequence: synonymous variant.
Genome position (GRCh38, 1-based): chr21:45,512,248, C>T. VCF-style: chr21-45512248-C-T. GRCh37 (hg19) VCF-style: chr21-46932162-C-T.
Other names: c.4401C>T, p.Tyr1467= (NM_030582.4); c.5106C>T, p.Tyr1702= (NM_130444.3).
Identifiers: ClinVar variation 4981773 (VCV004981773.1).

ClinVar aggregate classification (germline): Likely benign (1 of 4 stars; one submission).

Conditions:
COL18A1-related disorder. Also called: COL18A1-related condition; COL18A1-related disorders.

Submission:

PreventionGenetics, part of Exact Sciences
Classification: Likely benign for COL18A1-related condition. Last evaluated: 2025-09-25. Review status: criteria provided, single submitter. Criteria: ACMG Guidelines, 2015. Collection method: clinical testing. Allele origin: germline.
Comment: This variant is classified as likely benign based on ACMG/AMP sequence variant interpretation guidelines (Richards et al. 2015 PMID: 25741868, with internal and published modifications).